The following is an entry in ClinVar:

NM_001267550.2(TTN):c.6034G>A (p.Ala2012Thr)

Gene: TTN (titin; minus strand). Cytogenetic location: 2q31.2.
Variant type: single nucleotide variant.
Coding change: c.6034G>A on transcript NM_001267550.2 (MANE Select); coding-DNA position 6034, G replaced by A.
Protein change: p.Ala2012Thr; replaces alanine 2012 with threonine.
Molecular consequence: missense variant.
Genome position (GRCh38, 1-based): chr2:178,775,830, C>T on the plus strand (G>A on the coding strand, the complement: TTN is on the minus strand). VCF-style: chr2-178775830-C-T. GRCh37 (hg19) VCF-style: chr2-179640557-C-T.
Other names: c.6034G>A, p.Ala2012Thr (NM_001256850.1, NM_133378.4, NM_133379.5); c.5896G>A, p.Ala1966Thr (NM_003319.4, NM_133432.3, NM_133437.4); short protein forms A1966T, A2012T.
Identifiers: ClinVar variation 1750339 (VCV001750339.2), dbSNP rs2532838495, ClinGen allele CA349444507.
Genomic context (GRCh38, chr2:178,775,830, plus strand): 5'-TGAGGAGTTCCTCATAGGATTCATCCTTCTTTCGAGACTTGAGCTCCACAGCGGTAATGG[C>T]TTCATAATAGCCCTCTTCTGTTCTGCGCTTGAATTTACTGCGCAGCTCTTCCGACTCTTC-3'
Protein context (NP_001254479.2, residues 2002-2022): KRRTEEGYYE[Ala2012Thr]ITAVELKSRK

ClinVar aggregate classification (germline): Uncertain significance (1 of 4 stars; one submission).

Conditions:
Cardiovascular phenotype. Identifiers: MedGen CN230736.

Submission:

Ambry Genetics
Classification: Uncertain significance for Cardiovascular phenotype. Last evaluated: 2019-04-04. Review status: criteria provided, single submitter. Criteria: Ambry Variant Classification Scheme 2023. Collection method: clinical testing. Allele origin: germline.
Comment: The p.A1966T variant (also known as c.5896G>A), located in coding exon 26 of the TTN gene, results from a G to A substitution at nucleotide position 5896. The alanine at codon 1966 is replaced by threonine, an amino acid with similar properties. This amino acid position is well conserved in available vertebrate species. In addition, this alteration is predicted to be tolerated by in silico analysis. Since supporting evidence is limited at this time, the clinical significance of this alteration remains unclear.